The following is an entry in ClinVar:

ClinVar aggregate classification (germline): Pathogenic (1 of 4 stars; one submission).

Conditions:
Primary ciliary dyskinesia 3. Identifiers: Orphanet 244, MedGen C1837618, MONDO:0012085, OMIM 608644.

Submission:

Myriad Genetics, Inc.
Classification: Pathogenic for Primary ciliary dyskinesia 3. Last evaluated: 2024-05-14. Review status: criteria provided, single submitter. Criteria: Myriad Autosomal Dominant, Autosomal Recessive and X-Linked Classification Criteria (2023). Collection method: clinical testing. Allele origin: unknown.
Comment: NM_001369.2(DNAH5):c.11521_11523del3ins10(Q3841Kfs*14) is expected to be pathogenic in the context of primary ciliary dyskinesia, DNAH5-related. This variant is predicted to lead to an abnormal or absent protein product due to the creation of a premature termination codon in DNAH5, a gene where loss-of-function variants are known to be pathogenic. Please note: this variant was assessed in the context of healthy population screening.

NM_001369.3(DNAH5):c.11521_11523delinsAAGAGACAGT (p.Gln3841fs)

Gene: DNAH5 (dynein axonemal heavy chain 5; minus strand). Cytogenetic location: 5p15.2.
Variant type: Indel.
Coding change: c.11521_11523delinsAAGAGACAGT on transcript NM_001369.3 (MANE Select); coding-DNA positions 11521 to 11523, CAG replaced by AAGAGACAGT.
Protein change: p.Gln3841fs; shifts the reading frame from glutamine 3841.
Molecular consequence: frameshift variant.
Genome position (GRCh38, 1-based): chr5:13,735,865-13,735,867, CTG replaced by ACTGTCTCTT on the plus strand (CAG replaced by AAGAGACAGT on the coding strand, the reverse complement: DNAH5 is on the minus strand). VCF-style: chr5-13735865-CTG-ACTGTCTCTT. GRCh37 (hg19) VCF-style: chr5-13735974-CTG-ACTGTCTCTT.
Other names: short protein forms Q3841fs.
Identifiers: ClinVar variation 5016371 (VCV005016371.1).